The following is an entry in ClinVar:

NM_003922.4(HERC1):c.5613C>G (p.Asp1871Glu)

Gene: HERC1 (HECT and RLD domain containing E3 ubiquitin protein ligase family member 1; minus strand). Cytogenetic location: 15q22.31.
Variant type: single nucleotide variant.
Coding change: c.5613C>G on transcript NM_003922.4 (MANE Select); coding-DNA position 5613, C replaced by G.
Protein change: p.Asp1871Glu; replaces aspartic acid 1871 with glutamic acid.
Molecular consequence: missense variant.
Genome position (GRCh38, 1-based): chr15:63,694,025, G>C on the plus strand (C>G on the coding strand, the complement: HERC1 is on the minus strand). VCF-style: chr15-63694025-G-C. GRCh37 (hg19) VCF-style: chr15-63986224-G-C.
Other names: short protein forms D1871E.
Identifiers: ClinVar variation 2176554 (VCV002176554.4), dbSNP rs114159254, ClinGen allele CA392746630.
Genomic context (GRCh38, chr15:63,694,025, plus strand): 5'-TCTGAAATCTTTCTTCTCAGTTTCTCCACTGGAGTCAACTTTTTTTTCTTCTTCTTCACC[G>C]TCTTCTTGCTCCCCTTCTCCGAAAGAGGCCATATGTAGTACACCAGTTTGGGACAATAAA-3'
Protein context (NP_003913.3, residues 1861-1881): MASFGEGEQE[Asp1871Glu]GEEEEKKVDS

ClinVar aggregate classification (germline): Uncertain significance (1 of 4 stars; one submission).

gnomAD v4.1: 3 of 1,587,144 alleles (0.00019%); highest among the groups gnomAD compares: Non-Finnish European, 0.00026%; no homozygotes.

Submission:

Labcorp Genetics (formerly Invitae), Labcorp
Classification: Uncertain significance. Last evaluated: 2022-07-26. Review status: criteria provided, single submitter. Criteria: Invitae Variant Classification Sherloc (09022015). Collection method: clinical testing. Allele origin: germline.
Comment: This sequence change replaces aspartic acid, which is acidic and polar, with glutamic acid, which is acidic and polar, at codon 1871 of the HERC1 protein (p.Asp1871Glu). This variant is not present in population databases (gnomAD no frequency). This variant has not been reported in the literature in individuals affected with HERC1-related conditions. Algorithms developed to predict the effect of missense changes on protein structure and function output the following: SIFT: "Tolerated"; PolyPhen-2: "Benign"; Align-GVGD: "Class C0". The glutamic acid amino acid residue is found in multiple mammalian species, which suggests that this missense change does not adversely affect protein function. In summary, the available evidence is currently insufficient to determine the role of this variant in disease. Therefore, it has been classified as a Variant of Uncertain Significance.